The following is an entry in ClinVar:

NM_001287491.2(TET3):c.1542A>C (p.Pro514=)

Gene: TET3 (tet methylcytosine dioxygenase 3; plus strand). Cytogenetic location: 2p13.1.
Variant type: single nucleotide variant.
Coding change: c.1542A>C on transcript NM_001287491.2 (MANE Select); coding-DNA position 1542, A replaced by C.
Protein change: p.Pro514=; no amino-acid change (proline 514 retained).
Molecular consequence: synonymous variant.
Genome position (GRCh38, 1-based): chr2:74,047,459, A>C. VCF-style: chr2-74047459-A-C. GRCh37 (hg19) VCF-style: chr2-74274586-A-C.
Other names: c.1263A>C, p.Pro421= (NM_001366022.1); c.1137A>C, p.Pro379= (NM_144993.1).
Identifiers: ClinVar variation 2651040 (VCV002651040.24), dbSNP rs2467437037, ClinGen allele CA427027886.
Genomic context (GRCh38, chr2:74,047,459, plus strand): 5'-ACCCTCTTCCTCCCCGGCCCCGGCCCCATCCCCTGTACTTCAGAGGGAGGCTCCCACGCC[A>C]TCCTCGGAGCCCGACACCCACCAGAAGGCCCAGACCGCCCTGCAGCAGCACCTCCACCAC-3'
Protein context (NP_001274420.1, residues 504-524): SPVLQREAPT[Pro514=]SSEPDTHQKA

ClinVar aggregate classification (germline): Likely benign (1 of 4 stars; one submission).

Submission:

CeGaT Center for Human Genetics Tuebingen
Classification: Likely benign. Last evaluated: 2024-07-01. Review status: criteria provided, single submitter. Criteria: CeGaT Center For Human Genetics Tuebingen Variant Classification Criteria Version 2. Collection method: clinical testing. Allele origin: germline. Affected: yes. Observed: 2 variant alleles.
Comment: TET3: PM2:Supporting, BP4, BP7